The following is an entry in ClinVar:

NM_007194.4(CHEK2):c.245_275delinsCT (p.Asp82fs)

Gene: CHEK2 (checkpoint kinase 2; minus strand). Cytogenetic location: 22q12.1.
Variant type: Indel.
Coding change: c.245_275delinsCT on transcript NM_007194.4 (MANE Select); coding-DNA positions 245 to 275, the reference bases replaced by CT.
Protein change: p.Asp82fs; shifts the reading frame from aspartic acid 82.
Molecular consequence: frameshift variant.
Genome position (GRCh38, 1-based): chr22:28,734,447-28,734,477, 31 bases replaced. GRCh37 (hg19): chr22:29,130,435-29,130,465.
Other names: c.245_275del31insCT, p.Asp82Alafs (NM_001005735.3, NM_001349956.3, NM_145862.3); c.-533_-503del31insCT (NM_001257387.3); short protein forms D82fs.
Identifiers: ClinVar variation 2775078 (VCV002775078.1), dbSNP rs2518127840, ClinGen allele CA2697552624.
Genomic context (GRCh38, chr22:28,734,447, plus strand): 5'-CAACAAAGGGTCTTACCAAGATTGGCAAATCCATCCTGAAGGGCCCATAATCGAGCCCAG[GGGGCAGGGGTAGGCTCCTCAGGTTCTTGGT>AG]CCTCAGGTTCTTGGTCCTCAGGAATAGAATAGAGTTCCTGAGTGGACACTGTCTCTAAGG-3'

ClinVar aggregate classification (germline): Pathogenic (1 of 4 stars; one submission).

Conditions:
Hereditary cancer-predisposing syndrome. Also called: Neoplastic Syndromes, Hereditary; Tumor predisposition; Hereditary Cancer Syndrome; Hereditary neoplastic syndrome. Identifiers: Orphanet 140162, MedGen C0027672, MeSH D009386, MONDO:0015356.

Submission:

Color Diagnostics, LLC DBA Color Health
Classification: Pathogenic for Hereditary cancer-predisposing syndrome. Last evaluated: 2022-07-12. Review status: criteria provided, single submitter. Criteria: ACMG Guidelines, 2015. Collection method: clinical testing. Allele origin: germline.
Comment: This variant replaces 31 nucleotides in exon 2 of the CHEK2 gene with 2 nucleotides, causing a frameshift and introduction of premature protein translation stop codon. It is expected to result in an absent or non-functional protein product. This variant has not been reported in individuals affected with hereditary cancer in the literature. This variant has not been identified in the general population by the Genome Aggregation Database (gnomAD). Loss of CHEK2 function is a known mechanism of disease. Based on the available evidence, this variant is classified as Pathogenic.